The following is an entry in ClinVar:

ClinVar aggregate classification (germline): Uncertain significance. Review status: criteria provided, multiple submitters, no conflicts (2 of 4 stars). 2 submissions from 2 submitters: Uncertain significance (2). Last evaluated 2025-09-16.

Allele frequency attached by ClinVar (database versions not stated): ExAC 0.00009; gnomAD 0.00008; gnomAD exomes 0.00009; TOPMed 0.00006.
gnomAD v4.1: 141 of 1,613,844 alleles (0.0087%); highest among the groups gnomAD compares: Middle Eastern, 0.049%; no homozygotes.

Submissions (2):

Labcorp Genetics (formerly Invitae), Labcorp
Classification: Uncertain significance. Last evaluated: 2025-09-16. Review status: criteria provided, single submitter. Criteria: Invitae Variant Classification Sherloc (09022015). Collection method: clinical testing. Allele origin: germline.
Comment: This sequence change replaces arginine, which is basic and polar, with histidine, which is basic and polar, at codon 145 of the FBXW4 protein (p.Arg145His). This variant is present in population databases (rs770806032, gnomAD 0.02%). This variant has not been reported in the literature in individuals affected with FBXW4-related conditions. ClinVar contains an entry for this variant (Variation ID: 2390834). An algorithm developed to predict the effect of missense changes on protein structure and function (PolyPhen-2) suggests that this variant is likely to be disruptive. In summary, the available evidence is currently insufficient to determine the role of this variant in disease. Therefore, it has been classified as a Variant of Uncertain Significance.

Ambry Genetics
Classification: Uncertain significance. Last evaluated: 2025-08-08. Review status: criteria provided, single submitter. Criteria: Ambry Variant Classification Scheme 2023. Collection method: clinical testing. Allele origin: germline.

NM_022039.4(FBXW4):c.899G>A (p.Arg300His)

Gene: FBXW4 (F-box and WD repeat domain containing 4; minus strand). Cytogenetic location: 10q24.32.
Variant type: single nucleotide variant.
Coding change: c.899G>A on transcript NM_022039.4 (MANE Select); coding-DNA position 899, G replaced by A.
Protein change: p.Arg300His; replaces arginine 300 with histidine.
Molecular consequence: missense variant. On other transcripts: non-coding transcript variant (1).
Genome position (GRCh38, 1-based): chr10:101,673,596, C>T on the plus strand (G>A on the coding strand, the complement: FBXW4 is on the minus strand). VCF-style: chr10-101673596-C-T. GRCh37 (hg19) VCF-style: chr10-103433353-C-T.
Other names: c.173G>A, p.Arg58His (NM_001323541.2); short protein forms R300H, R58H.
Identifiers: ClinVar variation 2390834 (VCV002390834.6), dbSNP rs770806032, ClinGen allele CA5657407.
Genomic context (GRCh38, chr10:101,673,596, plus strand): 5'-TCCTCATCATGCCCAGCAAAGACTCCCAGAGGCCGACGATTCAAGCTGGCACCATCTGGA[C>T]GGAACTGGTAGGCCAGGATGAAATTAGCCTGGGATATGTACAGAGAATCATCCTCTAGCT-3'
Protein context (NP_071322.2, residues 290-310): QANFILAYQF[Arg300His]PDGASLNRRP